The following is an entry in ClinVar:

ClinVar aggregate classification (germline): Uncertain significance. Review status: criteria provided, multiple submitters, no conflicts (2 of 4 stars). 2 submissions from 2 submitters: Uncertain significance (2). Last evaluated 2025-11-23.

gnomAD v4.1: 1 of 1,602,082 alleles (0.000062%); highest among the groups gnomAD compares: South Asian, 0.0011%; no homozygotes.

Submissions (2):

Labcorp Genetics (formerly Invitae), Labcorp
Classification: Uncertain significance. Last evaluated: 2025-11-23. Review status: criteria provided, single submitter. Criteria: Invitae Variant Classification Sherloc (09022015). Collection method: clinical testing. Allele origin: germline.
Comment: This sequence change replaces alanine, which is neutral and non-polar, with glycine, which is neutral and non-polar, at codon 1306 of the VCAN protein (p.Ala1306Gly). This variant is not present in population databases (gnomAD no frequency). This variant has not been reported in the literature in individuals affected with VCAN-related conditions. ClinVar contains an entry for this variant (Variation ID: 1501310). An algorithm developed to predict the effect of missense changes on protein structure and function (PolyPhen-2) suggests that this variant is likely to be disruptive. In summary, the available evidence is currently insufficient to determine the role of this variant in disease. Therefore, it has been classified as a Variant of Uncertain Significance.

Blueprint Genetics
Classification: Uncertain significance. Last evaluated: 2024-02-26. Review status: criteria provided, single submitter. Criteria: ACMG Guidelines, 2015. Collection method: clinical testing. Allele origin: germline.

NM_004385.5(VCAN):c.3917C>G (p.Ala1306Gly)

Gene: VCAN (versican; plus strand). Cytogenetic location: 5q14.3.
Variant type: single nucleotide variant.
Coding change: c.3917C>G on transcript NM_004385.5 (MANE Select); coding-DNA position 3917, C replaced by G.
Protein change: p.Ala1306Gly; replaces alanine 1306 with glycine.
Molecular consequence: missense variant. On other transcripts: intron variant (2).
Genome position (GRCh38, 1-based): chr5:83,522,223, C>G. VCF-style: chr5-83522223-C-G. GRCh37 (hg19) VCF-style: chr5-82818042-C-G.
Other names: c.3917C>G, p.Ala1306Gly (NM_001164098.2); c.1042+9827C>G (NM_001164097.2, NM_001126336.3); short protein forms A1306G.
Identifiers: ClinVar variation 1501310 (VCV001501310.9), dbSNP rs749496810, ClinGen allele CA360307091.
Genomic context (GRCh38, chr5:83,522,223, plus strand): 5'-CTGCTACACAGCCAACAAGACCACCCACTGTGGAAGACAAAGAGGCCTTTGGACCTCAGG[C>G]GCTTTCTACGCCACAGCCCCCAGCAAGCACAAAATTTCACCCTGACATTAATGTTTATAT-3'
Protein context (NP_004376.2, residues 1296-1316): VEDKEAFGPQ[Ala1306Gly]LSTPQPPAST